The following is an entry in ClinVar:

NM_000540.3(RYR1):c.14381G>C (p.Gly4794Ala)

Gene: RYR1 (ryanodine receptor 1; plus strand). Cytogenetic location: 19q13.2.
Variant type: single nucleotide variant.
Coding change: c.14381G>C on transcript NM_000540.3 (MANE Select); coding-DNA position 14381, G replaced by C.
Protein change: p.Gly4794Ala; replaces glycine 4794 with alanine.
Molecular consequence: missense variant.
Genome position (GRCh38, 1-based): chr19:38,579,998, G>C. VCF-style: chr19-38579998-G-C. GRCh37 (hg19) VCF-style: chr19-39070638-G-C.
Other names: c.14366G>C, p.Gly4789Ala (NM_001042723.2); short protein forms G4789A, G4794A.
Identifiers: ClinVar variation 3073860 (VCV003073860.1), dbSNP rs1974125892, ClinGen allele CA405686856.

ClinVar aggregate classification (germline): Uncertain significance (1 of 4 stars; one submission).

Conditions:
Malignant hyperthermia, susceptibility to, 1 (MHS1). Also called: Anesthesia related hyperthermia; Malignant hyperpyrexia; Fulminating hyperpyrexia; Pharmacogenic myopathy; RYR1-Related Malignant Hyperthermia Susceptibility; Malignant hyperthermia suceptibility 1. Identifiers: Orphanet 423, MedGen C2930980, MONDO:0007783, OMIM 145600.

Allele frequency attached by ClinVar (database versions not stated): TOPMed below 0.00001.

Submission:

All of Us Research Program, National Institutes of Health
Classification: Uncertain significance for Malignant hyperthermia, susceptibility to, 1. Last evaluated: 2023-10-06. Review status: criteria provided, single submitter. Criteria: ACMG Guidelines, 2015. Collection method: clinical testing. Allele origin: germline. Inheritance: Autosomal dominant inheritance. Observed: 1 variant allele, 1 heterozygote.
Comment: This missense variant replaces glycine with alanine at codon 4794 of the RYR1 protein. Computational prediction suggests that this variant may not impact protein structure and function (internally defined REVEL score threshold <= 0.5, PMID: 27666373). To our knowledge, functional studies have not been reported for this variant. This variant has not been reported in individuals affected with RYR1-related disorders in the literature. This variant has not been identified in the general population by the Genome Aggregation Database (gnomAD). The available evidence is insufficient to determine the role of this variant in disease conclusively. Therefore, this variant is classified as a Variant of Uncertain Significance.

This study involves interpretation of variants in research participants for the purpose of population health screening. Participant phenotype was not available at the time of variant classification. Additional details can be found in publication PMID: 35346344, PMCID: PMC8962531